The following is an entry in ClinVar:

ClinVar aggregate classification (germline): Pathogenic (1 of 4 stars; one submission).

Conditions:
Nephronophthisis. Also called: Juvenile Nephronophthisis. Identifiers: Orphanet 655, MedGen C0687120, MONDO:0019005, HP:0000090.
Meckel-Gruber syndrome. Also called: DYSENCEPHALIA SPLANCHNOCYSTICA; GRUBER SYNDROME; Dysencephalia splachnocystica. Identifiers: Orphanet 564, MedGen C0265215, MONDO:0018921.
Joubert syndrome. Also called: CEREBELLOPARENCHYMAL DISORDER IV; JOUBERT-BOLTSHAUSER SYNDROME; Familial aplasia of the vermis. Identifiers: Orphanet 475, MedGen C5979921, MONDO:0018772.

Submission:

Labcorp Genetics (formerly Invitae), Labcorp
Classification: Pathogenic for Joubert syndrome; Meckel-Gruber syndrome; Nephronophthisis. Last evaluated: 2021-02-11. Review status: criteria provided, single submitter. Criteria: Invitae Variant Classification Sherloc (09022015). Collection method: clinical testing. Allele origin: germline.
Comment: For these reasons, this variant has been classified as Pathogenic. Algorithms developed to predict the effect of sequence changes on RNA splicing suggest that this variant may create or strengthen a splice site, but this prediction has not been confirmed by published transcriptional studies. This variant has not been reported in the literature in individuals with CEP290-related conditions. This variant is not present in population databases (ExAC no frequency). This sequence change creates a premature translational stop signal (p.Leu1212*) in the CEP290 gene. It is expected to result in an absent or disrupted protein product. Loss-of-function variants in CEP290 are known to be pathogenic (PMID: 16909394, 17345604, 20690115).

Literature cited by the submitters: PubMed 16909394; PubMed 17345604; PubMed 20690115.

NM_025114.4(CEP290):c.3633_3637del (p.Gln1211_Leu1212insTer)

Gene: CEP290 (centrosomal protein 290; minus strand). Cytogenetic location: 12q21.32.
Variant type: Deletion.
Coding change: c.3633_3637del on transcript NM_025114.4 (MANE Select); coding-DNA positions 3633 to 3637, 5 bases deleted (ACTGA; older notation c.3633_3637delACTGA).
Protein change: p.Gln1211_Leu1212insTer.
Molecular consequence: frameshift variant.
Genome position (GRCh38, 1-based): chr12:88,089,424-88,089,428, TCAGT deleted on the plus strand (ACTGA on the coding strand, the reverse complement: CEP290 is on the minus strand); deleting any 5 consecutive bases within chr12:88,089,424-88,089,429 gives the same sequence; the c. name uses the placement nearest the transcript's 3' end. VCF-style (leftmost placement, unchanged base first): chr12-88089423-CTCAGT-C. GRCh37 (hg19) VCF-style: chr12-88483200-CTCAGT-C.
Identifiers: ClinVar variation 1454018 (VCV001454018.6), dbSNP rs2137279498, ClinGen allele CA2573149013.